The following is an entry in ClinVar:

NM_000551.4(VHL):c.203C>T (p.Ser68Leu)

Gene: VHL (von Hippel-Lindau tumor suppressor; plus strand). Cytogenetic location: 3p25.3.
Variant type: single nucleotide variant.
Coding change: c.203C>T on transcript NM_000551.4 (MANE Select); coding-DNA position 203, C replaced by T.
Protein change: p.Ser68Leu; replaces serine 68 with leucine.
Molecular consequence: missense variant.
Genome position (GRCh38, 1-based): chr3:10,142,050, C>T. VCF-style: chr3-10142050-C-T. GRCh37 (hg19) VCF-style: chr3-10183734-C-T.
Other names: c.203C>T, p.Ser68Leu (NM_001354723.2, NM_198156.3); short protein forms S68L.
Identifiers: ClinVar variation 625222 (VCV000625222.14), dbSNP rs869025617, ClinGen allele CA351748894.

ClinVar aggregate classification (germline): Conflicting classifications of pathogenicity. Review status: criteria provided, conflicting classifications (1 of 4 stars). 3 submissions from 3 submitters: Likely pathogenic (1); Uncertain significance (2). Last evaluated 2025-11-03.

Conditions:
Hereditary cancer-predisposing syndrome. Also called: Tumor predisposition; Neoplastic Syndromes, Hereditary; Hereditary Cancer Syndrome; Hereditary neoplastic syndrome. Identifiers: Orphanet 140162, MedGen C0027672, MeSH D009386, MONDO:0015356.
Von Hippel-Lindau syndrome (VHLS). Also called: von Hippel–Lindau syndrome; Von Hippel-Lindau; VHL syndrome. Identifiers: Orphanet 892, MedGen C0019562, MONDO:0008667, OMIM 193300. Disease mechanism: loss of function.
Chuvash polycythemia. Also called: POLYCYTHEMIA, VHL-DEPENDENT. Identifiers: Orphanet 238557, MedGen C1837915, MONDO:0009892, OMIM 263400.

Submissions (3):

Ambry Genetics
Classification: Uncertain significance for Hereditary cancer-predisposing syndrome. Last evaluated: 2025-11-03. Review status: criteria provided, single submitter. Criteria: Ambry Variant Classification Scheme 2023. Collection method: clinical testing. Allele origin: germline.
Comment: The p.S68L variant (also known as c.203C>T), located in coding exon 1 of the VHL gene, results from a C to T substitution at nucleotide position 203. The serine at codon 68 is replaced by leucine, an amino acid with dissimilar properties. This variant was determined to be functionally deleterious in one saturation genome editing assay (Buckley M et al. Nat Genet, 2024 Jul;56:1446-1455). This amino acid position is not well conserved in available vertebrate species. In addition, the in silico prediction for this alteration is inconclusive. Since supporting evidence is limited at this time, the clinical significance of this alteration remains unclear.

Labcorp Genetics (formerly Invitae), Labcorp
Classification: Likely pathogenic for Von Hippel-Lindau syndrome; Chuvash polycythemia. Last evaluated: 2025-10-13. Review status: criteria provided, single submitter. Criteria: Invitae Variant Classification Sherloc (09022015). Collection method: clinical testing. Allele origin: germline.
Comment: This sequence change replaces serine, which is neutral and polar, with leucine, which is neutral and non-polar, at codon 68 of the VHL protein (p.Ser68Leu). This variant is not present in population databases (gnomAD no frequency). This missense change has been observed in individual(s) with clinical features of VHL (internal data). ClinVar contains an entry for this variant (Variation ID: 625222). Invitae Evidence Modeling of protein sequence and biophysical properties (such as structural, functional, and spatial information, amino acid conservation, physicochemical variation, residue mobility, and thermodynamic stability) indicates that this missense variant is expected to disrupt VHL protein function with a positive predictive value of 95%. This variant disrupts the p.Ser68 amino acid residue in VHL. Other variant(s) that disrupt this residue have been observed in individuals with VHL-related conditions (PMID: 10627136, 12000816, 17661816, 27785399), which suggests that this may be a clinically significant amino acid residue. In summary, the currently available evidence indicates that the variant is pathogenic, but additional data are needed to prove that conclusively. Therefore, this variant has been classified as Likely Pathogenic.

Genomic Diagnostic Laboratory, Division of Genomic Diagnostics, Children's Hospital of Philadelphia
Classification: Uncertain significance for von Hippel-Lindau syndrome. Last evaluated: 2018-08-01. Review status: criteria provided, single submitter. Criteria: DGD Variant Analysis Guidelines. Collection method: clinical testing. Allele origin: unknown. Observed: 1 variant allele.

Literature cited by the submitters: PubMed 17661816 (cited by Ambry Genetics and Labcorp Genetics (formerly Invitae), Labcorp); PubMed 27785399 (cited by Ambry Genetics and Labcorp Genetics (formerly Invitae), Labcorp); PubMed 38969834 (cited by Ambry Genetics); PubMed 7987306 (cited by Ambry Genetics); PubMed 10627136 (cited by Labcorp Genetics (formerly Invitae), Labcorp); PubMed 12000816 (cited by Labcorp Genetics (formerly Invitae), Labcorp).